The following is an entry in ClinVar:

ClinVar aggregate classification (germline): Uncertain significance (1 of 4 stars; one submission).

Conditions:
UBA7-related disorder. Also called: UBA7-related condition.

Allele frequency attached by ClinVar (database versions not stated): gnomAD 0.00001.

Submission:

PreventionGenetics, part of Exact Sciences
Classification: Uncertain significance for UBA7-related condition. Last evaluated: 2022-12-22. Review status: criteria provided, single submitter. Criteria: ACMG Guidelines, 2015. Collection method: clinical testing. Allele origin: germline.
Comment: The UBA7 c.1297C>T variant is predicted to result in premature protein termination (p.Gln433*). To our knowledge, this variant has not been reported in the literature or in a large population database, indicating this variant is rare. At this time, the clinical significance of this variant is uncertain due to the absence of conclusive functional and genetic evidence.

NM_003335.3(UBA7):c.1297C>T (p.Gln433Ter)

Gene: UBA7 (ubiquitin like modifier activating enzyme 7; minus strand). Cytogenetic location: 3p21.31.
Variant type: single nucleotide variant.
Coding change: c.1297C>T on transcript NM_003335.3 (MANE Select); coding-DNA position 1297, C replaced by T.
Protein change: p.Gln433Ter; replaces glutamine 433 with a stop codon.
Molecular consequence: nonsense.
Genome position (GRCh38, 1-based): chr3:49,810,766, G>A on the plus strand (C>T on the coding strand, the complement: UBA7 is on the minus strand). VCF-style: chr3-49810766-G-A. GRCh37 (hg19) VCF-style: chr3-49848199-G-A.
Other names: short protein forms Q433*.
Identifiers: ClinVar variation 2635261 (VCV002635261.1), dbSNP rs2081531657, ClinGen allele CA352839047.